The following is an entry in ClinVar:

NM_022552.5(DNMT3A):c.1270C>T (p.Pro424Ser)

Gene: DNMT3A (DNA methyltransferase 3 alpha; minus strand). Cytogenetic location: 2p23.3.
Variant type: single nucleotide variant.
Coding change: c.1270C>T on transcript NM_022552.5 (MANE Select); coding-DNA position 1270, C replaced by T.
Protein change: p.Pro424Ser; replaces proline 424 with serine.
Molecular consequence: missense variant. On other transcripts: non-coding transcript variant (1).
Genome position (GRCh38, 1-based): chr2:25,246,629, G>A on the plus strand (C>T on the coding strand, the complement: DNMT3A is on the minus strand). VCF-style: chr2-25246629-G-A. GRCh37 (hg19) VCF-style: chr2-25469498-G-A.
Other names: c.703C>T, p.Pro235Ser (NM_153759.3); c.1270C>T, p.Pro424Ser (NM_175629.2); c.814C>T, p.Pro272Ser (NM_001320893.1); c.601C>T, p.Pro201Ser (NM_001375819.1); short protein forms P201S, P235S, P424S, P272S.
Identifiers: ClinVar variation 1998612 (VCV001998612.4), dbSNP rs2465532939, ClinGen allele CA346072979.

ClinVar aggregate classification (germline): Uncertain significance (1 of 4 stars; one submission).

Conditions:
Tatton-Brown-Rahman overgrowth syndrome. Also called: Tatton-Brown-Rahman syndrome; Tall stature-intellectual disability-facial dysmorphism syndrome. Identifiers: Orphanet 404443, MedGen C4014545, MONDO:0014382, OMIM 615879.

Submission:

Labcorp Genetics (formerly Invitae), Labcorp
Classification: Uncertain significance for Tatton-Brown-Rahman overgrowth syndrome. Last evaluated: 2025-02-10. Review status: criteria provided, single submitter. Criteria: Invitae Variant Classification Sherloc (09022015). Collection method: clinical testing. Allele origin: germline.
Comment: This sequence change replaces proline, which is neutral and non-polar, with serine, which is neutral and polar, at codon 424 of the DNMT3A protein (p.Pro424Ser). This variant is not present in population databases (gnomAD no frequency). This variant has not been reported in the literature in individuals affected with DNMT3A-related conditions. ClinVar contains an entry for this variant (Variation ID: 1998612). Invitae Evidence Modeling of protein sequence and biophysical properties (such as structural, functional, and spatial information, amino acid conservation, physicochemical variation, residue mobility, and thermodynamic stability) has been performed for this missense variant. However, the output from this modeling did not meet the statistical confidence thresholds required to predict the impact of this variant on DNMT3A protein function. In summary, the available evidence is currently insufficient to determine the role of this variant in disease. Therefore, it has been classified as a Variant of Uncertain Significance.